The following is an entry in ClinVar:

NM_000051.4(ATM):c.5791G>A (p.Ala1931Thr)

Genes: ATM (ATM serine/threonine kinase; plus strand), C11orf65 (chromosome 11 open reading frame 65; minus strand). Cytogenetic location: 11q22.3.
Variant type: single nucleotide variant.
Coding change: c.5791G>A on transcript NM_000051.4 (MANE Select); coding-DNA position 5791, G replaced by A.
Protein change: p.Ala1931Thr; replaces alanine 1931 with threonine.
Molecular consequence: missense variant. On other transcripts: intron variant (2).
Genome position (GRCh38, 1-based): chr11:108,310,188, G>A. VCF-style: chr11-108310188-G-A. GRCh37 (hg19) VCF-style: chr11-108180915-G-A.
Other names: c.5791G>A, p.Ala1931Thr (NM_001351834.2); c.641-1117C>T (NM_001330368.2); c.*39-1117C>T (NM_001351110.2); short protein forms A1931T.
Identifiers: ClinVar variation 1061765 (VCV001061765.9), dbSNP rs2136012919, ClinGen allele CA382548330.

ClinVar aggregate classification (germline): Uncertain significance (1 of 4 stars; one submission).

Conditions:
Ataxia-telangiectasia syndrome (AT). Also called: Ataxia telangiectasia (A-T); ATAXIA-TELANGIECTASIA, COMPLEMENTATION GROUP A; ATAXIA-TELANGIECTASIA, FRESNO VARIANT; Ataxia-telangiectasia; Ataxia-telangiectasia, complementation group E; LOUIS-BAR SYNDROME. Identifiers: Orphanet 100, MedGen C0004135, MONDO:0008840, OMIM 208900.

Submission:

Labcorp Genetics (formerly Invitae), Labcorp
Classification: Uncertain significance for Ataxia-telangiectasia syndrome. Last evaluated: 2024-11-11. Review status: criteria provided, single submitter. Criteria: Invitae Variant Classification Sherloc (09022015). Collection method: clinical testing. Allele origin: germline.
Comment: This sequence change replaces alanine, which is neutral and non-polar, with threonine, which is neutral and polar, at codon 1931 of the ATM protein (p.Ala1931Thr). This variant is not present in population databases (gnomAD no frequency). This variant has not been reported in the literature in individuals affected with ATM-related conditions. ClinVar contains an entry for this variant (Variation ID: 1061765). Invitae Evidence Modeling of protein sequence and biophysical properties (such as structural, functional, and spatial information, amino acid conservation, physicochemical variation, residue mobility, and thermodynamic stability) indicates that this missense variant is not expected to disrupt ATM protein function with a negative predictive value of 95%. In summary, the available evidence is currently insufficient to determine the role of this variant in disease. Therefore, it has been classified as a Variant of Uncertain Significance.